The following is an entry in ClinVar:

ClinVar aggregate classification (germline): Uncertain significance. Review status: criteria provided, multiple submitters, no conflicts (2 of 4 stars). 2 submissions from 2 submitters: Uncertain significance (2). Last evaluated 2024-07-16.

Conditions:
Familial thoracic aortic aneurysm and aortic dissection (TAAD). Also called: Thoracic aortic aneurysms and dissections. Identifiers: Orphanet 91387, MedGen C4707243, MONDO:0019625.
Aortic aneurysm, familial thoracic 8 (AAT8). Identifiers: MedGen C3809513, MONDO:0014187, OMIM 615436.

Allele frequency attached by ClinVar (database versions not stated): ExAC 0.00001; gnomAD exomes 0.00001 and 0.00002; TOPMed 0.00003.

Submissions (2):

Labcorp Genetics (formerly Invitae), Labcorp
Classification: Uncertain significance for Aortic aneurysm, familial thoracic 8. Last evaluated: 2024-07-16. Review status: criteria provided, single submitter. Criteria: Invitae Variant Classification Sherloc (09022015). Collection method: clinical testing. Allele origin: germline.
Comment: This sequence change replaces glycine, which is neutral and non-polar, with serine, which is neutral and polar, at codon 267 of the PRKG1 protein (p.Gly267Ser). This variant is present in population databases (rs747670757, gnomAD 0.002%). This variant has not been reported in the literature in individuals affected with PRKG1-related conditions. ClinVar contains an entry for this variant (Variation ID: 864340). An algorithm developed to predict the effect of missense changes on protein structure and function (PolyPhen-2) suggests that this variant is likely to be disruptive. In summary, the available evidence is currently insufficient to determine the role of this variant in disease. Therefore, it has been classified as a Variant of Uncertain Significance.

Ambry Genetics
Classification: Uncertain significance for Familial thoracic aortic aneurysm and aortic dissection. Last evaluated: 2023-02-13. Review status: criteria provided, single submitter. Criteria: Ambry Variant Classification Scheme 2023. Collection method: clinical testing. Allele origin: germline.

NM_006258.4(PRKG1):c.799G>A (p.Gly267Ser)

Gene: PRKG1 (protein kinase cGMP-dependent 1; plus strand). Cytogenetic location: 10q21.1.
Variant type: single nucleotide variant.
Coding change: c.799G>A on transcript NM_006258.4 (MANE Select); coding-DNA position 799, G replaced by A.
Protein change: p.Gly267Ser; replaces glycine 267 with serine.
Molecular consequence: missense variant. On other transcripts: 5 prime UTR variant (1).
Genome position (GRCh38, 1-based): chr10:52,054,520, G>A. VCF-style: chr10-52054520-G-A. GRCh37 (hg19) VCF-style: chr10-53814280-G-A.
Other names: c.754G>A, p.Gly252Ser (NM_001098512.3); c.-411G>A (NM_001374781.1); c.799G>A, p.Gly267Ser (NM_001374782.1); short protein forms G252S, G267S.
Identifiers: ClinVar variation 864340 (VCV000864340.8), dbSNP rs747670757, ClinGen allele CA5503624.